The following is an entry in ClinVar:

NM_015559.3(SETBP1):c.3436C>T (p.Arg1146Trp)

Gene: SETBP1 (SET binding protein 1; plus strand). Cytogenetic location: 18q12.3.
Variant type: single nucleotide variant.
Coding change: c.3436C>T on transcript NM_015559.3 (MANE Select); coding-DNA position 3436, C replaced by T.
Protein change: p.Arg1146Trp; replaces arginine 1146 with tryptophan.
Molecular consequence: missense variant.
Genome position (GRCh38, 1-based): chr18:44,952,776, C>T. VCF-style: chr18-44952776-C-T. GRCh37 (hg19) VCF-style: chr18-42532741-C-T.
Other names: c.3436C>T, p.Arg1146Trp (NM_001379141.1, NM_001379142.1); short protein forms R1146W.
Identifiers: ClinVar variation 984822 (VCV000984822.37), dbSNP rs768536660, ClinGen allele CA8945905.

ClinVar aggregate classification (germline): Uncertain significance (1 of 4 stars; one submission).

Conditions:
Intellectual developmental disorder, autosomal dominant 29. Also called: SETBP1 Haploinsufficiency Disorder; Intellectual disability, autosomal dominant 29. Identifiers: Orphanet 436151, MedGen C4015141, MONDO:0014482, OMIM 616078.

Allele frequency attached by ClinVar (database versions not stated): TOPMed below 0.00001; ExAC 0.00001; gnomAD exomes below 0.00001.
gnomAD v4.1: 10 of 1,614,062 alleles (0.00062%); highest among the groups gnomAD compares: Admixed American, 0.0017%; no homozygotes.

Submission:

CeGaT Center for Human Genetics Tuebingen
Classification: Uncertain significance. Last evaluated: 2021-05-01. Review status: criteria provided, single submitter. Criteria: CeGaT Center For Human Genetics Tuebingen Variant Classification Criteria Version 2. Collection method: clinical testing. Allele origin: germline. Affected: yes. Observed: 1 variant allele.